The following is an entry in ClinVar:

ClinVar aggregate classification (germline): Uncertain significance (1 of 4 stars; one submission).

Conditions:
Charcot-Marie-Tooth disease, type I (CMT1). Also called: Charcot-Marie-Tooth, Type 1; Charcot-Marie-Tooth disease type 1. Identifiers: Orphanet 65753, MedGen C0751036, MONDO:0019011.

Submission:

Labcorp Genetics (formerly Invitae), Labcorp
Classification: Uncertain significance for Charcot-Marie-Tooth disease, type I. Last evaluated: 2022-10-01. Review status: criteria provided, single submitter. Criteria: Invitae Variant Classification Sherloc (09022015). Collection method: clinical testing. Allele origin: germline.
Comment: This variant, c.426_431del, results in the deletion of 2 amino acid(s) of the MPZ protein (p.Thr143_Leu144del), but otherwise preserves the integrity of the reading frame. This variant is not present in population databases (gnomAD no frequency). In summary, the available evidence is currently insufficient to determine the role of this variant in disease. Therefore, it has been classified as a Variant of Uncertain Significance. This variant disrupts a region of the MPZ protein in which other variant(s) (p.Thr143Met) have been observed in individuals with MPZ-related conditions (PMID: 20456450). This suggests that this is a clinically significant region of the protein, and that variants that disrupt it are likely to be disease-causing. Algorithms developed to predict the effect of sequence changes on RNA splicing suggest that this variant may disrupt the consensus splice site. This variant has not been reported in the literature in individuals affected with MPZ-related conditions.

Literature cited by the submitters: PubMed 20456450.

NM_000530.8(MPZ):c.426_431del (p.Thr143_Leu144del)

Gene: MPZ (myelin protein zero; minus strand). Cytogenetic location: 1q23.3.
Variant type: Deletion.
Coding change: c.426_431del on transcript NM_000530.8 (MANE Select); coding-DNA positions 426 to 431, 6 bases deleted (CACGCT; older notation c.426_431delCACGCT).
Protein change: p.Thr143_Leu144del.
Molecular consequence: inframe deletion.
Genome position (GRCh38, 1-based): chr1:161,306,725-161,306,730, AGCGTG deleted on the plus strand (CACGCT on the coding strand, the reverse complement: MPZ is on the minus strand); deleting any 6 consecutive bases within chr1:161,306,725-161,306,731 gives the same sequence; the c. name uses the placement nearest the transcript's 3' end. VCF-style (leftmost placement, unchanged base first): chr1-161306724-CAGCGTG-C. GRCh37 (hg19) VCF-style: chr1-161276514-CAGCGTG-C.
Other names: c.426_431del, p.Thr143_Leu144del (NM_001315491.2).
Identifiers: ClinVar variation 2033565 (VCV002033565.4), dbSNP rs2526237612, ClinGen allele CA2580061323.